The following is an entry in ClinVar:

ClinVar aggregate classification (germline): Uncertain significance (1 of 4 stars; one submission).

Submission:

Labcorp Genetics (formerly Invitae), Labcorp
Classification: Uncertain significance. Last evaluated: 2025-05-11. Review status: criteria provided, single submitter. Criteria: Invitae Variant Classification Sherloc (09022015). Collection method: clinical testing. Allele origin: germline.
Comment: This sequence change replaces lysine, which is basic and polar, with glutamine, which is neutral and polar, at codon 910 of the MBTPS1 protein (p.Lys910Gln). This variant is not present in population databases (gnomAD no frequency). This variant has not been reported in the literature in individuals affected with MBTPS1-related conditions. An algorithm developed to predict the effect of missense changes on protein structure and function (PolyPhen-2) suggests that this variant is likely to be disruptive. In summary, the available evidence is currently insufficient to determine the role of this variant in disease. Therefore, it has been classified as a Variant of Uncertain Significance.

NM_003791.4(MBTPS1):c.2728A>C (p.Lys910Gln)

Gene: MBTPS1 (membrane bound transcription factor peptidase, site 1; minus strand). Cytogenetic location: 16q23.3.
Variant type: single nucleotide variant.
Coding change: c.2728A>C on transcript NM_003791.4 (MANE Select); coding-DNA position 2728, A replaced by C.
Protein change: p.Lys910Gln; replaces lysine 910 with glutamine.
Molecular consequence: missense variant.
Genome position (GRCh38, 1-based): chr16:84,059,405, T>G on the plus strand (A>C on the coding strand, the complement: MBTPS1 is on the minus strand). VCF-style: chr16-84059405-T-G. GRCh37 (hg19) VCF-style: chr16-84093010-T-G.
Other names: short protein forms K910Q.
Identifiers: ClinVar variation 4719367 (VCV004719367.1).